The following is an entry in ClinVar:

ClinVar aggregate classification (germline): Uncertain significance (1 of 4 stars; one submission).

gnomAD v4.1: 14 of 1,613,772 alleles (0.00087%); highest among the groups gnomAD compares: South Asian, 0.011%; no homozygotes.

Submission:

CeGaT Center for Human Genetics Tuebingen
Classification: Uncertain significance. Last evaluated: 2026-01-01. Review status: criteria provided, single submitter. Criteria: CeGaT Center For Human Genetics Tuebingen Variant Classification Criteria Version 2. Collection method: clinical testing. Allele origin: germline. Affected: yes. Observed: 1 variant allele.
Comment: HECTD4: PM2

NM_001388303.1(HECTD4):c.11608G>A (p.Asp3870Asn)

Gene: HECTD4 (HECT domain E3 ubiquitin protein ligase 4; minus strand). Cytogenetic location: 12q24.13.
Variant type: single nucleotide variant.
Coding change: c.11608G>A on transcript NM_001388303.1 (MANE Select); coding-DNA position 11608, G replaced by A.
Protein change: p.Asp3870Asn; replaces aspartic acid 3870 with asparagine.
Molecular consequence: missense variant.
Genome position (GRCh38, 1-based): chr12:112,172,848, C>T on the plus strand (G>A on the coding strand, the complement: HECTD4 is on the minus strand). VCF-style: chr12-112172848-C-T. GRCh37 (hg19) VCF-style: chr12-112610652-C-T.
Other names: c.11638G>A, p.Asp3880Asn (NM_001109662.4); short protein forms D3870N, D3880N.
Identifiers: ClinVar variation 4821434 (VCV004821434.4).